The following is an entry in ClinVar:

ClinVar aggregate classification (germline): Uncertain significance. Review status: criteria provided, multiple submitters, no conflicts (2 of 4 stars). 3 submissions from 3 submitters: Uncertain significance (3). Last evaluated 2024-01-24.

Conditions:
Inborn genetic diseases. Identifiers: MedGen C0950123, MeSH D030342.

Allele frequency attached by ClinVar (database versions not stated): ExAC 0.00002; gnomAD exomes 0.00002; TOPMed 0.00002; ESP Exome Variant Server 0.00008.

Submissions (3):

Ambry Genetics
Classification: Uncertain significance for Inborn genetic diseases. Last evaluated: 2024-01-24. Review status: criteria provided, single submitter. Criteria: Ambry Variant Classification Scheme 2023. Collection method: clinical testing. Allele origin: germline.

Labcorp Genetics (formerly Invitae), Labcorp
Classification: Uncertain significance. Last evaluated: 2022-08-23. Review status: criteria provided, single submitter. Criteria: Invitae Variant Classification Sherloc (09022015). Collection method: clinical testing. Allele origin: germline.
Comment: This sequence change replaces arginine, which is basic and polar, with glutamine, which is neutral and polar, at codon 3420 of the PCLO protein (p.Arg3420Gln). This variant is present in population databases (rs369889492, gnomAD 0.003%). This variant has not been reported in the literature in individuals affected with PCLO-related conditions. ClinVar contains an entry for this variant (Variation ID: 1443820). Algorithms developed to predict the effect of missense changes on protein structure and function are either unavailable or do not agree on the potential impact of this missense change (SIFT: "Tolerated"; PolyPhen-2: "Not Available"; Align-GVGD: "Class C0"). In summary, the available evidence is currently insufficient to determine the role of this variant in disease. Therefore, it has been classified as a Variant of Uncertain Significance.

AiLife Diagnostics
Classification: Uncertain significance. Last evaluated: 2021-08-07. Review status: criteria provided, single submitter. Criteria: ACMG Guidelines, 2015. Collection method: clinical testing. Allele origin: germline. Affected: yes. Observed: 1 variant allele.

NM_033026.6(PCLO):c.10259G>A (p.Arg3420Gln)

Gene: PCLO (piccolo presynaptic cytomatrix protein; minus strand). Cytogenetic location: 7q21.11.
Variant type: single nucleotide variant.
Coding change: c.10259G>A on transcript NM_033026.6 (MANE Select); coding-DNA position 10259, G replaced by A.
Protein change: p.Arg3420Gln; replaces arginine 3420 with glutamine.
Molecular consequence: missense variant.
Genome position (GRCh38, 1-based): chr7:82,950,329, C>T on the plus strand (G>A on the coding strand, the complement: PCLO is on the minus strand). VCF-style: chr7-82950329-C-T. GRCh37 (hg19) VCF-style: chr7-82579645-C-T.
Other names: c.10259G>A, p.Arg3420Gln (NM_014510.3); c.10259G>A (NM_033026.5); short protein forms R3420Q.
Identifiers: ClinVar variation 1443820 (VCV001443820.7), dbSNP rs369889492, ClinGen allele CA4319766.